The following is an entry in ClinVar:

ClinVar aggregate classification (germline): Likely pathogenic (1 of 4 stars; one submission).

Conditions:
Developmental and epileptic encephalopathy, 9 (DEE9). Also called: JUBERG-HELLMAN SYNDROME; PCDH19-Related X-Linked Female-Limited Epilepsy with Mental Retardation; Early infantile epileptic encephalopathy 9; EPILEPSY, FEMALE-RESTRICTED, WITH MENTAL RETARDATION. Identifiers: Orphanet 101039, Orphanet 2076, MedGen C1848137, MONDO:0010246, OMIM 300088. Disease mechanism: loss of function.

Submission:

Laboratorio de Genetica e Diagnostico Molecular, Hospital Israelita Albert Einstein
Classification: Likely pathogenic for Developmental and epileptic encephalopathy, 9. Last evaluated: 2026-01-22. Review status: criteria provided, single submitter. Criteria: ACMG Guidelines, 2015. Collection method: clinical testing. Allele origin: germline. Affected: yes.
Comment: ACMG classification criteria: PVS1 very strong, PM2 supporting

NM_001184880.2(PCDH19):c.149dup (p.Phe51fs)

Gene: PCDH19 (protocadherin 19; minus strand). Cytogenetic location: Xq22.1.
Variant type: Duplication.
Coding change: c.149dup on transcript NM_001184880.2 (MANE Select); coding-DNA position 149, one base duplicated (G; older notation c.149dupG).
Protein change: p.Phe51fs; shifts the reading frame from phenylalanine 51.
Molecular consequence: frameshift variant.
Genome position (GRCh38, 1-based): chrX:100,408,449, C duplicated on the plus strand (G on the coding strand, the reverse complement: PCDH19 is on the minus strand); the first of 3 consecutive C bases (chrX:100,408,449-100,408,451); duplicating any one gives the same sequence. VCF-style (leftmost placement, unchanged base first): chrX-100408448-G-GC. GRCh37 (hg19) VCF-style: chrX-99663446-G-GC.
Other names: c.149dup, p.Phe51fs (NM_001105243.2, NM_020766.3); short protein forms F51fs.
Identifiers: ClinVar variation 4846884 (VCV004846884.1).